The following is an entry in ClinVar:

ClinVar aggregate classification (germline): Conflicting classifications of pathogenicity. Review status: criteria provided, conflicting classifications (1 of 4 stars). 2 submissions from 2 submitters: Uncertain significance (1); Likely benign (1). Last evaluated 2025-09-10.

Conditions:
Charcot-Marie-Tooth disease type 4. Also called: Charcot-Marie-Tooth disease, type IV; Charcot-Marie-Tooth, Type 4. Identifiers: Orphanet 64749, MedGen C4082197, MONDO:0018995.
SH3TC2-related disorder. Also called: SH3TC2-related disorders; SH3TC2-related condition. Identifiers: MedGen CN239303.

Allele frequency attached by ClinVar (database versions not stated): ExAC 0.00002; gnomAD 0.00002; TOPMed 0.00002; gnomAD exomes 0.00003 and 0.00017.
gnomAD v4.1: 249 of 1,614,090 alleles (0.015%); highest among the groups gnomAD compares: Non-Finnish European, 0.021%; no homozygotes.

Submissions (2):

PreventionGenetics, part of Exact Sciences
Classification: Uncertain significance for SH3TC2-related condition. Last evaluated: 2025-09-10. Review status: criteria provided, single submitter. Criteria: ACMG Guidelines, 2015. Collection method: clinical testing. Allele origin: germline.
Comment: The SH3TC2 c.2950C>A variant is predicted to result in the amino acid substitution p.His984Asn. To our knowledge, this variant has not been reported in the literature. This variant is reported in 0.0080% of alleles in individuals of African descent in gnomAD. At this time, the clinical significance of this variant is uncertain due to the absence of conclusive functional and genetic evidence.

Labcorp Genetics (formerly Invitae), Labcorp
Classification: Likely benign for Charcot-Marie-Tooth disease type 4. Last evaluated: 2025-07-14. Review status: criteria provided, single submitter. Criteria: Invitae Variant Classification Sherloc (09022015). Collection method: clinical testing. Allele origin: germline.

NM_024577.4(SH3TC2):c.2950C>A (p.His984Asn)

Gene: SH3TC2 (SH3 domain and tetratricopeptide repeats 2; minus strand). Cytogenetic location: 5q32.
Variant type: single nucleotide variant.
Coding change: c.2950C>A on transcript NM_024577.4 (MANE Select); coding-DNA position 2950, C replaced by A.
Protein change: p.His984Asn; replaces histidine 984 with asparagine.
Molecular consequence: missense variant.
Genome position (GRCh38, 1-based): chr5:149,026,675, G>T on the plus strand (C>A on the coding strand, the complement: SH3TC2 is on the minus strand). VCF-style: chr5-149026675-G-T. GRCh37 (hg19) VCF-style: chr5-148406238-G-T.
Other names: c.2950C>A (NM_024577.3); short protein forms H984N.
Identifiers: ClinVar variation 1371200 (VCV001371200.7), dbSNP rs747613156, ClinGen allele CA3498890.